The following is an entry in ClinVar:

NM_007294.4(BRCA1):c.2420C>A (p.Ala807Glu)

Gene: BRCA1 (BRCA1 DNA repair associated; minus strand). Cytogenetic location: 17q21.31.
Variant type: single nucleotide variant.
Coding change: c.2420C>A on transcript NM_007294.4 (MANE Select); coding-DNA position 2420, C replaced by A.
Protein change: p.Ala807Glu; replaces alanine 807 with glutamic acid.
Molecular consequence: missense variant. On other transcripts: intron variant (137).
Genome position (GRCh38, 1-based): chr17:43,093,111, G>T on the plus strand (C>A on the coding strand, the complement: BRCA1 is on the minus strand). VCF-style: chr17-43093111-G-T. GRCh37 (hg19) VCF-style: chr17-41245128-G-T.
Other names: c.2294C>A, p.Ala765Glu (NM_001407689.1, NM_001407690.1, NM_001407691.1 and 11 more transcripts); c.2279C>A, p.Ala760Glu (NM_001407692.1, NM_001407694.1, NM_001407695.1 and 29 more transcripts); c.2276C>A, p.Ala759Glu (NM_001407740.1, NM_001407741.1, NM_001407742.1 and 20 more transcripts); c.2207C>A, p.Ala736Glu (NM_001407853.1, NM_001407894.1, NM_001407895.1 and 9 more transcripts); c.2420C>A, p.Ala807Glu (NM_001407854.1, NM_001407858.1, NM_001407859.1 and 30 more transcripts); c.2417C>A, p.Ala806Glu (NM_001407860.1, NM_001407861.1, NM_001407587.1 and 22 more transcripts); c.2219C>A, p.Ala740Glu (NM_001407862.1); c.2297C>A, p.Ala766Glu (NM_001407863.1, NM_001407919.1, NM_001407937.1 and 19 more transcripts); and 41 more; short protein forms A807E, A760E, A679E, A739E, A740E, A804E, A695E, A719E.
Identifiers: ClinVar variation 54566 (VCV000054566.18), dbSNP rs273899683, ClinGen allele CA001614.

ClinVar aggregate classification (germline): Conflicting classifications of pathogenicity. Review status: criteria provided, conflicting classifications (1 of 4 stars). 4 submissions from 4 submitters: Uncertain significance (2); Likely benign (1). 1 of the submissions does not count toward it. Last evaluated 2025-06-11.

Conditions:
Hereditary cancer-predisposing syndrome. Also called: Tumor predisposition; Neoplastic Syndromes, Hereditary; Hereditary Cancer Syndrome; Hereditary neoplastic syndrome. Identifiers: Orphanet 140162, MedGen C0027672, MeSH D009386, MONDO:0015356.
Hereditary breast ovarian cancer syndrome. Also called: Hereditary breast and ovarian cancer syndrome (HBOC); Hereditary breast and ovarian cancer syndrome; Hereditary breast and ovarian cancer; Hereditary breast and/or ovarian cancer syndrome; Breast and ovarian cancer; BRCA1- and BRCA2-Associated Hereditary Breast and Ovarian Cancer. Identifiers: Orphanet 145, MedGen C0677776, MeSH D061325, MONDO:0003582. Disease mechanism: loss of function.
Breast-ovarian cancer, familial, susceptibility to, 1 (BROVCA1). Also called: OVARIAN CANCER, SUSCEPTIBILITY TO; BRCA1 Hereditary Breast and Ovarian Cancer. Identifiers: Orphanet 145, MedGen C2676676, MONDO:0011450, OMIM 604370. Disease mechanism: loss of function.

Submissions (4):

Labcorp Genetics (formerly Invitae), Labcorp
Classification: Uncertain significance for Hereditary breast ovarian cancer syndrome. Last evaluated: 2025-06-11. Review status: criteria provided, single submitter. Criteria: Invitae Variant Classification Sherloc (09022015). Collection method: clinical testing. Allele origin: germline.
Comment: This sequence change replaces alanine, which is neutral and non-polar, with glutamic acid, which is acidic and polar, at codon 807 of the BRCA1 protein (p.Ala807Glu). This variant is not present in population databases (gnomAD no frequency). This missense change has been observed in individual(s) with breast and/or ovarian cancer (PMID: 30702160, 31825140). ClinVar contains an entry for this variant (Variation ID: 54566). Invitae Evidence Modeling of protein sequence and biophysical properties (such as structural, functional, and spatial information, amino acid conservation, physicochemical variation, residue mobility, and thermodynamic stability) has been performed for this missense variant. However, the output from this modeling did not meet the statistical confidence thresholds required to predict the impact of this variant on BRCA1 protein function. In summary, the available evidence is currently insufficient to determine the role of this variant in disease. Therefore, it has been classified as a Variant of Uncertain Significance.

Ambry Genetics
Classification: Uncertain significance for Hereditary cancer-predisposing syndrome. Last evaluated: 2025-03-12. Review status: criteria provided, single submitter. Criteria: Ambry Variant Classification Scheme 2023. Collection method: clinical testing. Allele origin: germline.
Comment: The p.A807E variant (also known as c.2420C>A), located in coding exon 9 of the BRCA1 gene, results from a C to A substitution at nucleotide position 2420. The alanine at codon 807 is replaced by glutamic acid, an amino acid with dissimilar properties. In one study, this alteration was reported in 1/76 Chinese familial breast and/or ovarian cancer patients (Kim YC et al. Oncotarget, 2016 Feb;7:9600-12). This amino acid position is well conserved in available vertebrate species. In addition, the in silico prediction for this alteration is inconclusive. Based on the available evidence, the clinical significance of this variant remains unclear.

University of Washington Department of Laboratory Medicine, University of Washington
Classification: Likely benign for Hereditary cancer-predisposing syndrome. Last evaluated: 2023-03-23. Review status: criteria provided, single submitter. Criteria: Dines et al. (Genet Med. 2020). Collection method: curation. Allele origin: germline.
Comment: Missense variant in a coldspot region where missense variants are very unlikely to be pathogenic (PMID:31911673).

BRCA1 coldspot (exon 11 using historical exon numbering). Reclassification based on statistical prior probability

Breast Cancer Information Core (BIC) (BRCA1)
Classification: Uncertain significance for Breast-ovarian cancer, familial 1. Last evaluated: 2005-05-26. Review status: no assertion criteria provided. Collection method: clinical testing. Allele origin: somatic. Affected: yes. Observed: 1 variant allele. Not counted in ClinVar's aggregate classification.

Literature cited by the submitters: PubMed 30702160 (cited by Labcorp Genetics (formerly Invitae), Labcorp and Ambry Genetics); PubMed 31825140 (cited by Labcorp Genetics (formerly Invitae), Labcorp); PubMed 26848529 (cited by Ambry Genetics).